The following is an entry in ClinVar:

NM_213647.3(FGFR4):c.1684C>T (p.Leu562=)

Gene: FGFR4 (fibroblast growth factor receptor 4; plus strand). Cytogenetic location: 5q35.2.
Variant type: single nucleotide variant.
Coding change: c.1684C>T on transcript NM_213647.3 (MANE Select); coding-DNA position 1684, C replaced by T.
Protein change: p.Leu562=; no amino-acid change (leucine 562 retained).
Molecular consequence: synonymous variant.
Genome position (GRCh38, 1-based): chr5:177,095,586, C>T. VCF-style: chr5-177095586-C-T. GRCh37 (hg19) VCF-style: chr5-176522587-C-T.
Other names: c.1480C>T, p.Leu494= (NM_001291980.2); c.1684C>T, p.Leu562= (NM_001354984.2, NM_002011.5); c.1564C>T, p.Leu522= (NM_022963.3).
Identifiers: ClinVar variation 100898 (VCV000100898.2), dbSNP rs483352775, ClinGen allele CA229225.
Genomic context (GRCh38, chr5:177,095,586, plus strand): 5'-TCTGCAGGGCCCCTGTACGTGATCGTGGAGTGCGCCGCCAAGGGAAACCTGCGGGAGTTC[C>T]TGCGGGCCCGGCGCCCCCCAGGCCCCGACCTCAGCCCCGACGGTCCTCGGAGCAGTGAGG-3'
Protein context (NP_998812.1, residues 552-572): CAAKGNLREF[Leu562=]RARRPPGPDL

ClinVar aggregate classification (germline): Uncertain significance. Review status: no assertion criteria provided (0 of 4 stars). 2 submissions from 1 submitter: Uncertain significance (1). 1 of the submissions does not count toward it.

Allele frequency attached by ClinVar (database versions not stated): gnomAD exomes 0.00001.
gnomAD v4.1: 9 of 1,608,432 alleles (0.00056%); highest among the groups gnomAD compares: Non-Finnish European, 0.00076%; no homozygotes.

Submissions (2):

Richard Lifton Laboratory, Yale University School of Medicine
Classification: Uncertain significance. Review status: no assertion criteria provided. Collection method: not provided. Allele origin: somatic.
Comment: FGFR4:p.L562L
ClinVar note: Converted during submission from unknown to Uncertain significance.

Richard Lifton Laboratory, Yale University School of Medicine
Classification: Uncertain significance. Review status: flagged submission. Collection method: not provided. Allele origin: somatic. Not counted in ClinVar's aggregate classification.
ClinVar note: Converted during submission from unknown to Uncertain significance.
ClinVar note: Reason: This record appears to be redundant with a more recent record from the same submitter.
ClinVar note: Notes: SCV000120123 appears to be redundant with SCV000155227.